The following is an entry in ClinVar:

ClinVar aggregate classification (germline): Uncertain significance. Review status: criteria provided, multiple submitters, no conflicts (2 of 4 stars). 2 submissions from 2 submitters: Uncertain significance (2). Last evaluated 2026-03-18.

Conditions:
Inborn genetic diseases. Identifiers: MedGen C0950123, MeSH D030342.
NRIP1-related disorder. Also called: NRIP1-related condition.

Allele frequency attached by ClinVar (database versions not stated): gnomAD 0.00001; ExAC 0.00002; gnomAD exomes 0.00002; TOPMed 0.00002; ESP Exome Variant Server 0.00008.
gnomAD v4.1: 27 of 1,613,038 alleles (0.0017%); highest among the groups gnomAD compares: Non-Finnish European, 0.0021%; no homozygotes.

Submissions (2):

PreventionGenetics, part of Exact Sciences
Classification: Uncertain significance for NRIP1-related condition. Last evaluated: 2026-03-18. Review status: criteria provided, single submitter. Criteria: ACMG Guidelines, 2015. Collection method: clinical testing. Allele origin: germline.
Comment: The NRIP1 c.2554C>G variant is predicted to result in the amino acid substitution p.Leu852Val. To our knowledge, this variant has not been reported in the literature. This variant is reported in 0.0027% of alleles in individuals of European (Non-Finnish) descent in gnomAD. Although we suspect that this variant may be benign, at this time, the clinical significance of this variant is uncertain due to the absence of conclusive functional and genetic evidence.

Ambry Genetics
Classification: Uncertain significance for Inborn genetic diseases. Last evaluated: 2023-01-31. Review status: criteria provided, single submitter. Criteria: Ambry Variant Classification Scheme 2023. Collection method: clinical testing. Allele origin: germline.

NM_003489.4(NRIP1):c.2554C>G (p.Leu852Val)

Gene: NRIP1 (nuclear receptor interacting protein 1; minus strand). Cytogenetic location: 21q11.2.
Variant type: single nucleotide variant.
Coding change: c.2554C>G on transcript NM_003489.4 (MANE Select); coding-DNA position 2554, C replaced by G.
Protein change: p.Leu852Val; replaces leucine 852 with valine.
Molecular consequence: missense variant.
Genome position (GRCh38, 1-based): chr21:14,965,639, G>C on the plus strand (C>G on the coding strand, the complement: NRIP1 is on the minus strand). VCF-style: chr21-14965639-G-C. GRCh37 (hg19) VCF-style: chr21-16337960-G-C.
Other names: short protein forms L852V.
Identifiers: ClinVar variation 2480023 (VCV002480023.3), dbSNP rs369884270, ClinGen allele CA9981121.